The following is an entry in ClinVar:

NM_014874.4(MFN2):c.1319G>T (p.Arg440Leu)

Gene: MFN2 (mitofusin 2; plus strand). Cytogenetic location: 1p36.22.
Variant type: single nucleotide variant.
Coding change: c.1319G>T on transcript NM_014874.4 (MANE Select); coding-DNA position 1319, G replaced by T.
Protein change: p.Arg440Leu; replaces arginine 440 with leucine.
Molecular consequence: missense variant.
Genome position (GRCh38, 1-based): chr1:12,004,540, G>T. VCF-style: chr1-12004540-G-T. GRCh37 (hg19) VCF-style: chr1-12064597-G-T.
Other names: c.1319G>T, p.Arg440Leu (NM_001127660.2); short protein forms R440L.
Identifiers: ClinVar variation 3648571 (VCV003648571.2).

ClinVar aggregate classification (germline): Uncertain significance (1 of 4 stars; one submission).

Conditions:
Charcot-Marie-Tooth disease type 2. Also called: Charcot-Marie-Tooth type 2. Identifiers: Orphanet 64746, MedGen C0270914, MONDO:0018993.

gnomAD v4.1: 2 of 1,614,132 alleles (0.00012%); highest among the groups gnomAD compares: East Asian, 0.0022%; no homozygotes.

Submission:

Labcorp Genetics (formerly Invitae), Labcorp
Classification: Uncertain significance for Charcot-Marie-Tooth disease type 2. Last evaluated: 2024-04-08. Review status: criteria provided, single submitter. Criteria: Invitae Variant Classification Sherloc (09022015). Collection method: clinical testing. Allele origin: germline.
Comment: This sequence change replaces arginine, which is basic and polar, with leucine, which is neutral and non-polar, at codon 440 of the MFN2 protein (p.Arg440Leu). This variant is not present in population databases (gnomAD no frequency). This variant has not been reported in the literature in individuals affected with MFN2-related conditions. Advanced modeling of protein sequence and biophysical properties (such as structural, functional, and spatial information, amino acid conservation, physicochemical variation, residue mobility, and thermodynamic stability) performed at Invitae indicates that this missense variant is expected to disrupt MFN2 protein function with a positive predictive value of 95%. In summary, the available evidence is currently insufficient to determine the role of this variant in disease. Therefore, it has been classified as a Variant of Uncertain Significance.